The following is an entry in ClinVar:

NM_201384.3(PLEC):c.13622G>T (p.Gly4541Val)

Gene: PLEC (plectin; minus strand). Cytogenetic location: 8q24.3.
Variant type: single nucleotide variant.
Coding change: c.13622G>T on transcript NM_201384.3 (MANE Select); coding-DNA position 13622, G replaced by T.
Protein change: p.Gly4541Val; replaces glycine 4541 with valine.
Molecular consequence: missense variant.
Genome position (GRCh38, 1-based): chr8:143,916,199, C>A on the plus strand (G>T on the coding strand, the complement: PLEC is on the minus strand). VCF-style: chr8-143916199-C-A. GRCh37 (hg19) VCF-style: chr8-144990367-C-A.
Other names: c.13703G>T (NM_000445.3); c.13703G>T, p.Gly4568Val (NM_000445.5); c.13580G>T, p.Gly4527Val (NM_201378.4); c.13556G>T, p.Gly4519Val (NM_201379.3); c.14033G>T, p.Gly4678Val (NM_201380.4); c.13526G>T, p.Gly4509Val (NM_201381.3); c.13622G>T, p.Gly4541Val (NM_201382.4); c.13634G>T, p.Gly4545Val (NM_201383.3); short protein forms G4527V, G4678V, G4519V, G4541V, G4509V, G4568V, G4545V.
Identifiers: ClinVar variation 1360572 (VCV001360572.7), dbSNP rs1554668205, ClinGen allele CA372473299.
Genomic context (GRCh38, chr8:143,916,199, plus strand): 5'-GCTGGGCCGCATGCAGAGCGGGGTGGGCGCAGGCAGCCTCAGGCCACGGCAGACTCAGGG[C>A]CCCCCAGGGAGGCCGAGGACCCCGAGGCGTAGCGGCGGCCGTAGCCCGAGGAGGAGTAGG-3'
Protein context (NP_958786.1, residues 4531-4547): YASGSSASLG[Gly4541Val]PESAVA

ClinVar aggregate classification (germline): Uncertain significance. Review status: criteria provided, multiple submitters, no conflicts (2 of 4 stars). 2 submissions from 2 submitters: Uncertain significance (2). Last evaluated 2026-01-21.

Conditions:
Autosomal recessive limb-girdle muscular dystrophy type 2Q (LGMDR17). Also called: MUSCULAR DYSTROPHY, LIMB-GIRDLE, AUTOSOMAL RECESSIVE 17. Identifiers: Orphanet 254361, MedGen C3150989, MONDO:0013390, OMIM 613723.
Epidermolysis bullosa simplex with nail dystrophy (EBS5D). Identifiers: MedGen C4225309, MONDO:0014661, OMIM 616487.
Epidermolysis bullosa simplex, Ogna type (EBS5A). Also called: Pidermolysis bullosa simplex 5A, Ogna type; EPIDERMOLYSIS BULLOSA SIMPLEX 5A, OGNA TYPE. Identifiers: Orphanet 79401, MedGen C0432317, MONDO:0007555, OMIM 131950.
Epidermolysis bullosa simplex 5B, with muscular dystrophy (EBS5B). Also called: EPIDERMOLYSIS BULLOSA SIMPLEX AND LIMB-GIRDLE MUSCULAR DYSTROPHY; Epidermolysis bullosa simplex with muscular dystrophy. Identifiers: Orphanet 257, MedGen C2931072, MONDO:0009181, OMIM 226670.
Epidermolysis bullosa simplex 5C, with pyloric atresia (EBS5C). Also called: PLEC-Related Epidermolysis Bullosa with Pyloric Atresia; Epidermolysis bullosa simplex with pyloric atresia; PLEC1-Related Epidermolysis Bullosa with Pyloric Atresia. Identifiers: Orphanet 158684, MedGen C2677349, MONDO:0012807, OMIM 612138.
Inborn genetic diseases. Identifiers: MedGen C0950123, MeSH D030342.

gnomAD v4.1: 3 of 1,542,048 alleles (0.00019%); highest among the groups gnomAD compares: Admixed American, 0.0039%; no homozygotes.

Submissions (2):

Ambry Genetics
Classification: Uncertain significance for Inborn genetic diseases. Last evaluated: 2026-01-21. Review status: criteria provided, single submitter. Criteria: Ambry Variant Classification Scheme 2023. Collection method: clinical testing. Allele origin: germline.

Labcorp Genetics (formerly Invitae), Labcorp
Classification: Uncertain significance for Autosomal recessive limb-girdle muscular dystrophy type 2Q; Epidermolysis bullosa simplex, Ogna type; Epidermolysis bullosa simplex with nail dystrophy; Epidermolysis bullosa simplex 5C, with pyloric atresia; Epidermolysis bullosa simplex 5B, with muscular dystrophy. Last evaluated: 2025-01-22. Review status: criteria provided, single submitter. Criteria: Invitae Variant Classification Sherloc (09022015). Collection method: clinical testing. Allele origin: germline.
Comment: This sequence change replaces glycine, which is neutral and non-polar, with valine, which is neutral and non-polar, at codon 4568 of the PLEC protein (p.Gly4568Val). The frequency data for this variant in the population databases is considered unreliable, as metrics indicate poor data quality at this position in the gnomAD database. This variant has not been reported in the literature in individuals affected with PLEC-related conditions. ClinVar contains an entry for this variant (Variation ID: 1360572). Experimental studies and prediction algorithms are not available or were not evaluated, and the functional significance of this variant is currently unknown. In summary, the available evidence is currently insufficient to determine the role of this variant in disease. Therefore, it has been classified as a Variant of Uncertain Significance.